The following is an entry in ClinVar:

ClinVar aggregate classification (germline): Pathogenic. Review status: criteria provided, single submitter (1 of 4 stars). 2 submissions from 2 submitters: Pathogenic (1). 1 of the submissions does not count toward it. Last evaluated 2023-10-27.

Conditions:
Primary hyperoxaluria, type I (HP1). Also called: OXALOSIS I; Primary hyperoxaluria type 1; GLYCOLIC ACIDURIA; HEPATIC AGT DEFICIENCY. Identifiers: Orphanet 416, Orphanet 93598, MedGen C0268164, MONDO:0009823, OMIM 259900. Disease mechanism: loss of function.

Submissions (2):

Clinical Biochemistry Laboratory, Health Services Laboratory
Classification: Pathogenic for Primary hyperoxaluria, type I. Last evaluated: 2023-10-27. Review status: criteria provided, single submitter. Criteria: ACMG Guidelines, 2015. Collection method: curation. Allele origin: germline. Affected: yes.
Comment: ACMG:PVS1 PM2 PM3 PP4

Chinese Inherited Urolithiasis Consortium, The Affiliated Yantai Yuhuangding Hospital of Qingdao University
Classification: Pathogenic for Primary hyperoxaluria, type I. Last evaluated: 2024-08-26. Review status: no assertion criteria provided. Collection method: clinical testing. Allele origin: de novo. Affected: yes. Observed: 1 variant allele. Not counted in ClinVar's aggregate classification.

Literature cited by the submitters: PubMed 32556641 (cited by Clinical Biochemistry Laboratory, Health Services Laboratory).

NM_000030.3(AGXT):c.28_29delinsA (p.Pro10fs)

Gene: AGXT (alanine--glyoxylate aminotransferase; plus strand). Cytogenetic location: 2q37.3.
Variant type: Indel.
Coding change: c.28_29delinsA on transcript NM_000030.3 (MANE Select); coding-DNA positions 28 to 29, CC replaced by A.
Protein change: p.Pro10fs; shifts the reading frame from proline 10.
Molecular consequence: frameshift variant.
Genome position (GRCh38, 1-based): chr2:240,868,893-240,868,894, CC replaced by A. VCF-style: chr2-240868893-CC-A. GRCh37 (hg19) VCF-style: chr2-241808310-CC-A.
Other names: c.28_29delCCinsA (NM_000030.3); short protein forms P10fs.
Identifiers: ClinVar variation 2681160 (VCV002681160.3), dbSNP rs2528738902, ClinGen allele CA2586971627.